The following is an entry in ClinVar:

ClinVar aggregate classification (germline): Uncertain significance. Review status: criteria provided, multiple submitters, no conflicts (2 of 4 stars). 2 submissions from 2 submitters: Uncertain significance (2). Last evaluated 2025-07-18.

Conditions:
Inborn genetic diseases. Identifiers: MedGen C0950123, MeSH D030342.

Allele frequency attached by ClinVar (database versions not stated): gnomAD 0.00001; TOPMed 0.00002.
gnomAD v4.1: 42 of 1,610,462 alleles (0.0026%); highest among the groups gnomAD compares: Non-Finnish European, 0.0032%; no homozygotes.

Submissions (2):

GeneDx
Classification: Uncertain significance. Last evaluated: 2025-07-18. Review status: criteria provided, single submitter. Criteria: GeneDx Variant Classification Process June 2021. Collection method: clinical testing. Allele origin: germline. Affected: yes.
Comment: In silico analysis supports that this missense variant has a deleterious effect on protein structure/function; Has not been previously published as pathogenic or benign to our knowledge

Ambry Genetics
Classification: Uncertain significance for Inborn genetic diseases. Last evaluated: 2023-02-13. Review status: criteria provided, single submitter. Criteria: Ambry Variant Classification Scheme 2023. Collection method: clinical testing. Allele origin: germline.

NM_001371623.1(TCOF1):c.1106C>T (p.Ser369Phe)

Gene: TCOF1 (treacle ribosome biogenesis factor 1; plus strand). Cytogenetic location: 5q32.
Variant type: single nucleotide variant.
Coding change: c.1106C>T on transcript NM_001371623.1 (MANE Select); coding-DNA position 1106, C replaced by T.
Protein change: p.Ser369Phe; replaces serine 369 with phenylalanine.
Molecular consequence: missense variant.
Genome position (GRCh38, 1-based): chr5:150,374,639, C>T. VCF-style: chr5-150374639-C-T. GRCh37 (hg19) VCF-style: chr5-149754202-C-T.
Other names: c.875C>T, p.Ser292Phe (NM_000356.4, NM_001135245.2); c.1106C>T, p.Ser369Phe (NM_001008657.3, NM_001135243.2, NM_001135244.2 and 1 more transcripts); short protein forms S292F, S369F.
Identifiers: ClinVar variation 2466413 (VCV002466413.3), dbSNP rs761683030, ClinGen allele CA3510757.